The following is an entry in ClinVar:

NM_004408.4(DNM1):c.905G>A (p.Ser302Asn)

Gene: DNM1 (dynamin 1; plus strand). Cytogenetic location: 9q34.11.
Variant type: single nucleotide variant.
Coding change: c.905G>A on transcript NM_004408.4 (MANE Select); coding-DNA position 905, G replaced by A.
Protein change: p.Ser302Asn; replaces serine 302 with asparagine.
Molecular consequence: missense variant.
Genome position (GRCh38, 1-based): chr9:128,222,252, G>A. VCF-style: chr9-128222252-G-A. GRCh37 (hg19) VCF-style: chr9-130984531-G-A.
Other names: c.905G>A, p.Ser302Asn (NM_001005336.3, NM_001288737.2, NM_001288738.2 and 1 more transcripts); short protein forms S302N.
Identifiers: ClinVar variation 571345 (VCV000571345.9), dbSNP rs1564332436, ClinGen allele CA375015075.
Genomic context (GRCh38, chr9:128,222,252, plus strand): 5'-CCCAGCAACTGACGAACCACATCCGGGACACACTGCCGGGGCTGCGGAACAAGCTGCAGA[G>A]CCAGCTACTGTCCATTGAGAAGGAGGTGGAGGAATACAAGAACTTCCGCCCTGATGACCC-3'
Protein context (NP_004399.2, residues 292-312): TLPGLRNKLQ[Ser302Asn]QLLSIEKEVE

ClinVar aggregate classification (germline): Uncertain significance (1 of 4 stars; one submission).

Conditions:
Developmental and epileptic encephalopathy, 31A. Also called: Developmental and epileptic encephalopathy, 31; Epileptic encephalopathy, early infantile, 31. Identifiers: Orphanet 2382, MedGen C4225357, MONDO:0014598, OMIM 616346.

Submission:

Labcorp Genetics (formerly Invitae), Labcorp
Classification: Uncertain significance for Developmental and epileptic encephalopathy, 31A. Last evaluated: 2022-08-16. Review status: criteria provided, single submitter. Criteria: Invitae Variant Classification Sherloc (09022015). Collection method: clinical testing. Allele origin: germline.
Comment: In summary, the available evidence is currently insufficient to determine the role of this variant in disease. Therefore, it has been classified as a Variant of Uncertain Significance. Advanced modeling of protein sequence and biophysical properties (such as structural, functional, and spatial information, amino acid conservation, physicochemical variation, residue mobility, and thermodynamic stability) performed at Invitae indicates that this missense variant is not expected to disrupt DNM1 protein function. ClinVar contains an entry for this variant (Variation ID: 571345). This variant has not been reported in the literature in individuals affected with DNM1-related conditions. This variant is not present in population databases (gnomAD no frequency). This sequence change replaces serine, which is neutral and polar, with asparagine, which is neutral and polar, at codon 302 of the DNM1 protein (p.Ser302Asn).